The following is an entry in ClinVar:

NM_001999.4(FBN2):c.8671G>A (p.Glu2891Lys)

Gene: FBN2 (fibrillin 2; minus strand). Cytogenetic location: 5q23.3.
Variant type: single nucleotide variant.
Coding change: c.8671G>A on transcript NM_001999.4 (MANE Select); coding-DNA position 8671, G replaced by A.
Protein change: p.Glu2891Lys; replaces glutamic acid 2891 with lysine.
Molecular consequence: missense variant.
Genome position (GRCh38, 1-based): chr5:128,259,523, C>T on the plus strand (G>A on the coding strand, the complement: FBN2 is on the minus strand). VCF-style: chr5-128259523-C-T. GRCh37 (hg19) VCF-style: chr5-127595215-C-T.
Other names: short protein forms E2891K.
Identifiers: ClinVar variation 4801542 (VCV004801542.1).

ClinVar aggregate classification (germline): Uncertain significance (1 of 4 stars; one submission).

Conditions:
Congenital contractural arachnodactyly (CCA). Also called: BEALS SYNDROME; Beals-Hecht syndrome; Arthrogryposis, distal, type 9. Identifiers: Orphanet 115, MedGen C0220668, MONDO:0007363, OMIM 121050.

gnomAD v4.1: 1 of 1,614,048 alleles (0.000062%); highest among the groups gnomAD compares: Non-Finnish European, 0.000085%; no homozygotes.

Submission:

Labcorp Genetics (formerly Invitae), Labcorp
Classification: Uncertain significance for Congenital contractural arachnodactyly. Last evaluated: 2025-02-08. Review status: criteria provided, single submitter. Criteria: Invitae Variant Classification Sherloc (09022015). Collection method: clinical testing. Allele origin: germline.
Comment: This sequence change replaces glutamic acid, which is acidic and polar, with lysine, which is basic and polar, at codon 2891 of the FBN2 protein (p.Glu2891Lys). This variant is not present in population databases (gnomAD no frequency). This variant has not been reported in the literature in individuals affected with FBN2-related conditions. Invitae Evidence Modeling of protein sequence and biophysical properties (such as structural, functional, and spatial information, amino acid conservation, physicochemical variation, residue mobility, and thermodynamic stability) indicates that this missense variant is not expected to disrupt FBN2 protein function with a negative predictive value of 95%. In summary, the available evidence is currently insufficient to determine the role of this variant in disease. Therefore, it has been classified as a Variant of Uncertain Significance.